The following is an entry in ClinVar:

ClinVar aggregate classification (germline): Benign (1 of 4 stars; one submission).

gnomAD v4.1: 16,236 of 1,612,780 alleles (1%); highest among the groups gnomAD compares: Non-Finnish European, 1.3%; 92 homozygotes.

Submission:

CeGaT Center for Human Genetics Tuebingen
Classification: Benign. Last evaluated: 2024-08-01. Review status: criteria provided, single submitter. Criteria: CeGaT Center For Human Genetics Tuebingen Variant Classification Criteria Version 2. Collection method: clinical testing. Allele origin: germline. Affected: yes. Observed: 1 variant allele.
Comment: PDIA2: BP4, BS1, BS2

NM_006849.4(PDIA2):c.562G>A (p.Ala188Thr)

Gene: PDIA2 (protein disulfide isomerase family A member 2; plus strand). Cytogenetic location: 16p13.3.
Variant type: single nucleotide variant.
Coding change: c.562G>A on transcript NM_006849.4 (MANE Select); coding-DNA position 562, G replaced by A.
Protein change: p.Ala188Thr; replaces alanine 188 with threonine.
Molecular consequence: missense variant.
Genome position (GRCh38, 1-based): chr16:284,899, G>A. VCF-style: chr16-284899-G-A. GRCh37 (hg19) VCF-style: chr16-334899-G-A.
Other names: short protein forms A188T.
Identifiers: ClinVar variation 3342246 (VCV003342246.16).